The following is an entry in ClinVar:

ClinVar aggregate classification (germline): Likely pathogenic (1 of 4 stars; one submission).

Conditions:
Hereditary cancer-predisposing syndrome. Also called: Neoplastic Syndromes, Hereditary; Tumor predisposition; Hereditary Cancer Syndrome; Hereditary neoplastic syndrome. Identifiers: Orphanet 140162, MedGen C0027672, MeSH D009386, MONDO:0015356.

Submission:

Molecular Diagnostics Laboratory, Catalan Institute of Oncology
Classification: Likely pathogenic for Hereditary cancer-predisposing syndrome. Last evaluated: 2024-12-08. Review status: criteria provided, single submitter. Criteria: ClinGen ACMG Specifications APC V1.0.0. Collection method: clinical testing. Allele origin: germline.
Comment: PVS1, PM2_Supporting c.2873_2874del, located in exon 16 of the APC gene, consists in the deletion of two nucleotides, causing a translational frameshift with a predicted alternate stop codon, p.(Arg958Ilefs*4). This alteration is expected to result in loss of function by premature protein truncation and nonsense-mediated mRNA decay (PVS1). It is not present in the population database gnomAD v2.1.1, non cancer dataset (PM2_supporting). The SpliceAI algorithm predicts no significant impact on splicing. To our knowledge, neither relevant clinical data nor functional studies have been reported for this variant. The variant has not been identified neither ClinVar nor LOVD databases. Based on currently available information, the variant c.2873_2874del is classified as a likely pathogenic variant according to ClinGen-APC Guidelines version 1.

NM_000038.6(APC):c.2873_2874del (p.Arg958fs)

Gene: APC (APC regulator of Wnt signaling pathway; plus strand). Cytogenetic location: 5q22.2.
Variant type: Microsatellite.
Coding change: c.2873_2874del on transcript NM_000038.6 (MANE Select); coding-DNA positions 2873 to 2874, 2 bases deleted (GA; older notation c.2873_2874delGA).
Protein change: p.Arg958fs; shifts the reading frame from arginine 958.
Molecular consequence: frameshift variant. On other transcripts: non-coding transcript variant (2).
Genome position (GRCh38, 1-based): chr5:112,838,467-112,838,468, GA deleted; deleting any 2 consecutive bases within chr5:112,838,464-112,838,468 gives the same sequence; the c. name uses the placement nearest the transcript's 3' end. VCF-style (leftmost placement, unchanged base first): chr5-112838463-AAG-A. GRCh37 (hg19) VCF-style: chr5-112174160-AAG-A.
Other names: c.2570_2571del, p.Arg857fs (NM_001407459.1, NM_001407460.1, NM_001407458.1 and 1 more transcripts); c.2486_2487del, p.Arg829fs (NM_001407467.1, NM_001407469.1); c.2624_2625del, p.Arg875fs (NM_001407457.1, NM_001407454.1, NM_001407455.1 and 1 more transcripts); c.2873_2874del, p.Arg958fs (NM_001127510.3, NM_001354895.2, NM_001407450.1); c.2819_2820del, p.Arg940fs (NM_001127511.3); c.2927_2928del, p.Arg976fs (NM_001354896.2, NM_001407447.1, NM_001407448.1 and 1 more transcripts); c.2903_2904del, p.Arg968fs (NM_001354897.2); c.2798_2799del, p.Arg933fs (NM_001354898.2); and 11 more; short protein forms R574fs, R675fs, R798fs, R829fs, R832fs, R857fs, R867fs, R875fs.
Identifiers: ClinVar variation 3893662 (VCV003893662.1).